The following is an entry in ClinVar:

ClinVar aggregate classification (germline): Conflicting classifications of pathogenicity. Review status: criteria provided, conflicting classifications (1 of 4 stars). 6 submissions from 6 submitters: Uncertain significance (5); Likely benign (1). Last evaluated 2025-07-31.

Conditions:
Hereditary cancer-predisposing syndrome. Also called: Tumor predisposition; Hereditary Cancer Syndrome; Hereditary neoplastic syndrome; Neoplastic Syndromes, Hereditary. Identifiers: Orphanet 140162, MedGen C0027672, MeSH D009386, MONDO:0015356.
Hereditary breast ovarian cancer syndrome. Also called: BRCA1- and BRCA2-Associated Hereditary Breast and Ovarian Cancer; Hereditary breast and ovarian cancer; Hereditary breast and ovarian cancer syndrome; Hereditary breast and ovarian cancer syndrome (HBOC); Breast and ovarian cancer; Hereditary breast and/or ovarian cancer syndrome. Identifiers: Orphanet 145, MedGen C0677776, MeSH D061325, MONDO:0003582. Disease mechanism: loss of function.

Allele frequency attached by ClinVar (database versions not stated): TOPMed below 0.00001.

Submissions (6):

Labcorp Genetics (formerly Invitae), Labcorp
Classification: Uncertain significance for Hereditary breast ovarian cancer syndrome. Last evaluated: 2025-07-31. Review status: criteria provided, single submitter. Criteria: Invitae Variant Classification Sherloc (09022015). Collection method: clinical testing. Allele origin: germline.
Comment: This sequence change replaces valine, which is neutral and non-polar, with alanine, which is neutral and non-polar, at codon 681 of the BRCA2 protein (p.Val681Ala). This variant is not present in population databases (gnomAD no frequency). This variant has not been reported in the literature in individuals affected with BRCA2-related conditions. ClinVar contains an entry for this variant (Variation ID: 1466782). Invitae Evidence Modeling of protein sequence and biophysical properties (such as structural, functional, and spatial information, amino acid conservation, physicochemical variation, residue mobility, and thermodynamic stability) indicates that this missense variant is not expected to disrupt BRCA2 protein function with a negative predictive value of 95%. In summary, the available evidence is currently insufficient to determine the role of this variant in disease. Therefore, it has been classified as a Variant of Uncertain Significance.

Color Diagnostics, LLC DBA Color Health
Classification: Uncertain significance for Hereditary cancer-predisposing syndrome. Last evaluated: 2025-06-25. Review status: criteria provided, single submitter. Criteria: ACMG Guidelines, 2015. Collection method: clinical testing. Allele origin: germline.
Comment: This missense variant replaces valine with alanine at codon 681 of the BRCA2 protein. Computational prediction suggests that this variant may not impact protein structure and function. To our knowledge, functional studies have not been reported for this variant. This variant has not been reported in individuals affected with BRCA2-related disorders in the literature. This variant has not been identified in the general population by the Genome Aggregation Database (gnomAD). The available evidence is insufficient to determine the role of this variant in disease conclusively. Therefore, this variant is classified as a Variant of Uncertain Significance.

University of Washington Department of Laboratory Medicine, University of Washington
Classification: Likely benign for Hereditary cancer-predisposing syndrome. Last evaluated: 2023-03-23. Review status: criteria provided, single submitter. Criteria: Dines et al. (Genet Med. 2020). Collection method: curation. Allele origin: germline.
Comment: Missense variant in a coldspot region where missense variants are very unlikely to be pathogenic (PMID:31911673).

BRCA2 exon 11 coldspot. Reclassification based on statistical prior probability.

GeneDx
Classification: Uncertain significance. Last evaluated: 2022-06-06. Review status: criteria provided, single submitter. Criteria: GeneDx Variant Classification Process June 2021. Collection method: clinical testing. Allele origin: germline. Affected: yes.
Comment: Not observed at significant frequency in large population cohorts (gnomAD); In silico analysis supports that this missense variant does not alter protein structure/function; Has not been previously published as pathogenic or benign to our knowledge; Also known as 2270T>C

Women's Health and Genetics/Laboratory Corporation of America, LabCorp
Classification: Uncertain significance. Last evaluated: 2022-05-15. Review status: criteria provided, single submitter. Criteria: LabCorp Variant Classification Summary - May 2015. Collection method: clinical testing. Allele origin: germline.
Comment: Variant summary: BRCA2 c.2042T>C (p.Val681Ala) results in a non-conservative amino acid change in the encoded protein sequence. Three of five in-silico tools predict a benign effect of the variant on protein function. The variant was absent in 250354 control chromosomes. The available data on variant occurrences in the general population are insufficient to allow any conclusion about variant significance. To our knowledge, no occurrence of c.2042T>C in individuals affected with Hereditary Breast And Ovarian Cancer Syndrome and no experimental evidence demonstrating its impact on protein function have been reported. One clinical diagnostic laboratory has submitted clinical-significance assessments for this variant to ClinVar after 2014 without evidence for independent evaluation and classified the variant as uncertain significance. Based on the evidence outlined above, the variant was classified as uncertain significance.

Ambry Genetics
Classification: Uncertain significance for Hereditary cancer-predisposing syndrome. Last evaluated: 2020-06-22. Review status: criteria provided, single submitter. Criteria: Ambry Variant Classification Scheme 2023. Collection method: clinical testing. Allele origin: germline.
Comment: The p.V681A variant (also known as c.2042T>C), located in coding exon 10 of the BRCA2 gene, results from a T to C substitution at nucleotide position 2042. The valine at codon 681 is replaced by alanine, an amino acid with similar properties. This amino acid position is poorly conserved in available vertebrate species. In addition, this alteration is predicted to be tolerated by in silico analysis. Since supporting evidence is limited at this time, the clinical significance of this alteration remains unclear.

NM_000059.4(BRCA2):c.2042T>C (p.Val681Ala)

Gene: BRCA2 (BRCA2 DNA repair associated; plus strand). Cytogenetic location: 13q13.1.
Variant type: single nucleotide variant.
Coding change: c.2042T>C on transcript NM_000059.4 (MANE Select); coding-DNA position 2042, T replaced by C.
Protein change: p.Val681Ala; replaces valine 681 with alanine.
Molecular consequence: missense variant.
Genome position (GRCh38, 1-based): chr13:32,336,397, T>C. VCF-style: chr13-32336397-T-C. GRCh37 (hg19) VCF-style: chr13-32910534-T-C.
Other names: short protein forms V681A.
Identifiers: ClinVar variation 1466782 (VCV001466782.13), dbSNP rs1039304689, ClinGen allele CA247500491.